The following is an entry in ClinVar:

NM_005876.5(SPEG):c.1385G>C (p.Ser462Thr)

Gene: SPEG (striated muscle enriched protein kinase; plus strand). Cytogenetic location: 2q35.
Variant type: single nucleotide variant.
Coding change: c.1385G>C on transcript NM_005876.5 (MANE Select); coding-DNA position 1385, G replaced by C.
Protein change: p.Ser462Thr; replaces serine 462 with threonine.
Molecular consequence: missense variant.
Genome position (GRCh38, 1-based): chr2:219,448,543, G>C. VCF-style: chr2-219448543-G-C. GRCh37 (hg19) VCF-style: chr2-220313265-G-C.
Other names: short protein forms S462T.
Identifiers: ClinVar variation 1489729 (VCV001489729.8), dbSNP rs1469482820, ClinGen allele CA350719297.

ClinVar aggregate classification (germline): Uncertain significance (1 of 4 stars; one submission).

Submission:

Labcorp Genetics (formerly Invitae), Labcorp
Classification: Uncertain significance. Last evaluated: 2021-03-23. Review status: criteria provided, single submitter. Criteria: Invitae Variant Classification Sherloc (09022015). Collection method: clinical testing. Allele origin: germline.
Comment: In summary, the available evidence is currently insufficient to determine the role of this variant in disease. Therefore, it has been classified as a Variant of Uncertain Significance. This sequence change replaces serine with threonine at codon 462 of the SPEG protein (p.Ser462Thr). The serine residue is highly conserved and there is a small physicochemical difference between serine and threonine. The frequency data for this variant in the population databases is considered unreliable, as metrics indicate insufficient coverage at this position in the ExAC database. This variant has not been reported in the literature in individuals with SPEG-related conditions. Algorithms developed to predict the effect of missense changes on protein structure and function output the following: SIFT: "Tolerated"; PolyPhen-2: "Benign"; Align-GVGD: "Class C0". The threonine amino acid residue is found in multiple mammalian species, suggesting that this missense change does not adversely affect protein function. These predictions have not been confirmed by published functional studies and their clinical significance is uncertain.